The following is an entry in ClinVar:

NM_139284.3(LGI4):c.1087C>T (p.Arg363Trp)

Gene: LGI4 (leucine rich repeat LGI family member 4; minus strand). Cytogenetic location: 19q13.12.
Variant type: single nucleotide variant.
Coding change: c.1087C>T on transcript NM_139284.3 (MANE Select); coding-DNA position 1087, C replaced by T.
Protein change: p.Arg363Trp; replaces arginine 363 with tryptophan.
Molecular consequence: missense variant.
Genome position (GRCh38, 1-based): chr19:35,126,482, G>A on the plus strand (C>T on the coding strand, the complement: LGI4 is on the minus strand). VCF-style: chr19-35126482-G-A. GRCh37 (hg19) VCF-style: chr19-35617386-G-A.
Other names: short protein forms R363W.
Identifiers: ClinVar variation 2444314 (VCV002444314.1), dbSNP rs1409942857, ClinGen allele CA405304743.

ClinVar aggregate classification (germline): Uncertain significance (1 of 4 stars; one submission).

Conditions:
Arthrogryposis multiplex congenita 1, neurogenic, with myelin defect. Also called: Arthrogryposis multiplex congenita, neurogenic, with myelin defect. Identifiers: MedGen C4479539, MONDO:0060486, OMIM 617468.

Allele frequency attached by ClinVar (database versions not stated): gnomAD exomes below 0.00001; gnomAD 0.00002; TOPMed 0.00002.
gnomAD v4.1: 12 of 1,563,698 alleles (0.00077%); highest among the groups gnomAD compares: South Asian, 0.0035%; no homozygotes.

Submission:

3billion
Classification: Uncertain significance for Arthrogryposis multiplex congenita 1, neurogenic, with myelin defect. Last evaluated: 2023-02-23. Review status: criteria provided, single submitter. Criteria: ACMG Guidelines, 2015. Collection method: clinical testing. Allele origin: unknown. Affected: yes.
Comment: The variant is observed at an extremely low frequency in the gnomAD v2.1.1 dataset (total allele frequency: <0.001%). Missense changes are a common disease-causing mechanism. In silico tool predictions suggest damaging effect of the variant on gene or gene product (REVEL: 0.69). However, the evidence of pathogenicity is insufficient at this time. Therefore, this variant is classified as VUS according to the recommendation of ACMG/AMP guideline.